The following is an entry in ClinVar:

NM_024741.3(ZNF408):c.404G>A (p.Arg135Gln)

Gene: ZNF408 (zinc finger protein 408; plus strand). Cytogenetic location: 11p11.2.
Variant type: single nucleotide variant.
Coding change: c.404G>A on transcript NM_024741.3 (MANE Select); coding-DNA position 404, G replaced by A.
Protein change: p.Arg135Gln; replaces arginine 135 with glutamine.
Molecular consequence: missense variant.
Genome position (GRCh38, 1-based): chr11:46,702,995, G>A. VCF-style: chr11-46702995-G-A. GRCh37 (hg19) VCF-style: chr11-46724545-G-A.
Other names: c.380G>A, p.Arg127Gln (NM_001184751.2); short protein forms R127Q, R135Q.
Identifiers: ClinVar variation 1933354 (VCV001933354.6), dbSNP rs895423814, ClinGen allele CA221631346.

ClinVar aggregate classification (germline): Uncertain significance. Review status: criteria provided, multiple submitters, no conflicts (2 of 4 stars). 2 submissions from 2 submitters: Uncertain significance (2). Last evaluated 2023-08-24.

Allele frequency attached by ClinVar (database versions not stated): TOPMed below 0.00001; gnomAD exomes 0.00001.

Submissions (2):

Blueprint Genetics
Classification: Uncertain significance. Last evaluated: 2023-08-24. Review status: criteria provided, single submitter. Criteria: ACMG Guidelines, 2015. Collection method: clinical testing. Allele origin: germline.

Labcorp Genetics (formerly Invitae), Labcorp
Classification: Uncertain significance. Last evaluated: 2022-02-25. Review status: criteria provided, single submitter. Criteria: Invitae Variant Classification Sherloc (09022015). Collection method: clinical testing. Allele origin: germline.
Comment: In summary, the available evidence is currently insufficient to determine the role of this variant in disease. Therefore, it has been classified as a Variant of Uncertain Significance. Algorithms developed to predict the effect of missense changes on protein structure and function output the following: SIFT: "Tolerated"; PolyPhen-2: "Benign"; Align-GVGD: "Class C0". The glutamine amino acid residue is found in multiple mammalian species, which suggests that this missense change does not adversely affect protein function. This variant is present in population databases (no rsID available, gnomAD 0.006%). This sequence change replaces arginine, which is basic and polar, with glutamine, which is neutral and polar, at codon 135 of the ZNF408 protein (p.Arg135Gln). This variant has not been reported in the literature in individuals affected with ZNF408-related conditions.